The following is an entry in ClinVar:

ClinVar aggregate classification (germline): Uncertain significance (1 of 4 stars; one submission).

Conditions:
Cardiovascular phenotype. Identifiers: MedGen CN230736.
Hereditary cancer-predisposing syndrome. Also called: Neoplastic Syndromes, Hereditary; Tumor predisposition; Hereditary neoplastic syndrome; Hereditary Cancer Syndrome. Identifiers: Orphanet 140162, MedGen C0027672, MeSH D009386, MONDO:0015356.

Submission:

Ambry Genetics
Classification: Uncertain significance for Cardiovascular phenotype; Hereditary cancer-predisposing syndrome. Last evaluated: 2025-05-19. Review status: criteria provided, single submitter. Criteria: Ambry Variant Classification Scheme 2023. Collection method: clinical testing. Allele origin: germline.
Comment: The p.T956S variant (also known as c.2866A>T), located in coding exon 22 of the NF1 gene, results from an A to T substitution at nucleotide position 2866. The threonine at codon 956 is replaced by serine, an amino acid with similar properties. This amino acid position is conserved. In addition, this alteration is predicted to be tolerated by in silico analysis. Based on the available evidence, the clinical significance of this variant remains unclear.

NM_001042492.3(NF1):c.2866A>T (p.Thr956Ser)

Gene: NF1 (neurofibromin 1; plus strand). Cytogenetic location: 17q11.2.
Variant type: single nucleotide variant.
Coding change: c.2866A>T on transcript NM_001042492.3 (MANE Select); coding-DNA position 2866, A replaced by T.
Protein change: p.Thr956Ser; replaces threonine 956 with serine.
Molecular consequence: missense variant.
Genome position (GRCh38, 1-based): chr17:31,229,850, A>T. VCF-style: chr17-31229850-A-T. GRCh37 (hg19) VCF-style: chr17-29556868-A-T.
Other names: c.2866A>T, p.Thr956Ser (NM_000267.4); short protein forms T956S.
Identifiers: ClinVar variation 4031677 (VCV004031677.1).